The following is an entry in ClinVar:

ClinVar aggregate classification (germline): Likely benign (1 of 4 stars; one submission).

Submission:

CeGaT Center for Human Genetics Tuebingen
Classification: Likely benign. Last evaluated: 2023-02-01. Review status: criteria provided, single submitter. Criteria: CeGaT Center For Human Genetics Tuebingen Variant Classification Criteria Version 2. Collection method: clinical testing. Allele origin: germline. Affected: yes. Observed: 1 variant allele.
Comment: MED15: BS2

NM_001003891.3(MED15):c.751CAG[9] (p.Gln260_Gln262del)

Gene: MED15 (mediator complex subunit 15; plus strand). Cytogenetic location: 22q11.21.
Variant type: Microsatellite.
Coding change: c.751CAG[9] on transcript NM_001003891.3 (MANE Select); nine copies in a row of the 3-base unit CAG starting at c.751; the reference has 12 copies in a row; three copies, 9 bases deleted.
Protein change: p.Gln260_Gln262del.
Molecular consequence: inframe deletion.
Genome position (GRCh38, 1-based): chr22:20,566,554-20,566,562, CAGCAGCAG deleted; deleting any 9 consecutive bases within chr22:20,566,527-20,566,562 gives the same sequence; the position shown is the placement nearest the transcript's 3' end. VCF-style (leftmost placement, unchanged base first): chr22-20566526-ACAGCAGCAG-A. GRCh37 (hg19) VCF-style: chr22-20920813-ACAGCAGCAG-A.
Other names: c.751CAG[9], p.Gln260_Gln262del (NM_001293234.2, NM_015889.5); c.673CAG[9], p.Gln234_Gln236del (NM_001293235.2, NM_001293237.2); c.538CAG[9], p.Gln189_Gln191del (NM_001293236.2).
Identifiers: ClinVar variation 2652903 (VCV002652903.24), ClinGen allele CA10113564.